The following is an entry in ClinVar:

NM_001134363.3(RBM20):c.3540C>G (p.His1180Gln)

Gene: RBM20 (RNA binding motif protein 20; plus strand). Cytogenetic location: 10q25.2.
Variant type: single nucleotide variant.
Coding change: c.3540C>G on transcript NM_001134363.3 (MANE Select); coding-DNA position 3540, C replaced by G.
Protein change: p.His1180Gln; replaces histidine 1180 with glutamine.
Molecular consequence: missense variant.
Genome position (GRCh38, 1-based): chr10:110,831,149, C>G. VCF-style: chr10-110831149-C-G. GRCh37 (hg19) VCF-style: chr10-112590907-C-G.
Other names: short protein forms H1180Q.
Identifiers: ClinVar variation 4772813 (VCV004772813.1).

ClinVar aggregate classification (germline): Uncertain significance (1 of 4 stars; one submission).

Conditions:
Dilated cardiomyopathy 1DD (CMD1DD). Identifiers: Orphanet 154, MedGen C2750995, MONDO:0013168, OMIM 613172.

gnomAD v4.1: 10 of 1,551,698 alleles (0.00064%); highest among the groups gnomAD compares: Non-Finnish European, 0.00087%; no homozygotes.

Submission:

Labcorp Genetics (formerly Invitae), Labcorp
Classification: Uncertain significance for Dilated cardiomyopathy 1DD. Last evaluated: 2025-08-29. Review status: criteria provided, single submitter. Criteria: Invitae Variant Classification Sherloc (09022015). Collection method: clinical testing. Allele origin: germline.
Comment: This sequence change replaces histidine, which is basic and polar, with glutamine, which is neutral and polar, at codon 1180 of the RBM20 protein (p.His1180Gln). This variant is not present in population databases (gnomAD no frequency). This variant has not been reported in the literature in individuals affected with RBM20-related conditions. Invitae Evidence Modeling of protein sequence and biophysical properties (such as structural, functional, and spatial information, amino acid conservation, physicochemical variation, residue mobility, and thermodynamic stability) indicates that this missense variant is not expected to disrupt RBM20 protein function with a negative predictive value of 95%. In summary, the available evidence is currently insufficient to determine the role of this variant in disease. Therefore, it has been classified as a Variant of Uncertain Significance.